The following is an entry in ClinVar:

NM_000170.3(GLDC):c.2570-22C>G

Gene: GLDC (glycine decarboxylase; minus strand). Cytogenetic location: 9p24.1.
Variant type: single nucleotide variant.
Coding change: c.2570-22C>G on transcript NM_000170.3 (MANE Select); 22 bases into the intron before coding-DNA position 2570, C replaced by G.
Molecular consequence: intron variant.
Genome position (GRCh38, 1-based): chr9:6,540,168, G>C on the plus strand (C>G on the coding strand, the complement: GLDC is on the minus strand). VCF-style: chr9-6540168-G-C. GRCh37 (hg19) VCF-style: chr9-6540168-G-C.
Identifiers: ClinVar variation 1207599 (VCV001207599.27), dbSNP rs200609000, ClinGen allele CA4980150.

ClinVar aggregate classification (germline): Likely benign. Review status: criteria provided, multiple submitters, no conflicts (2 of 4 stars). 2 submissions from 2 submitters: Likely benign (2). Last evaluated 2026-02-01.

Allele frequency attached by ClinVar (database versions not stated): ExAC 0.00799; 1000 Genomes Project 0.00060; 1000 Genomes Project 30x 0.00062; TOPMed 0.00467; ESP Exome Variant Server 0.00546; gnomAD 0.00576 and 0.00632.
gnomAD v4.1: 9,879 of 1,412,730 alleles (0.7%); highest among the groups gnomAD compares: Non-Finnish European, 0.8%; 58 homozygotes.

Submissions (2):

CeGaT Center for Human Genetics Tuebingen
Classification: Likely benign. Last evaluated: 2026-02-01. Review status: criteria provided, single submitter. Criteria: CeGaT Center For Human Genetics Tuebingen Variant Classification Criteria Version 2. Collection method: clinical testing. Allele origin: germline. Affected: yes. Observed: 10 variant alleles.
Comment: GLDC: BS2

GeneDx
Classification: Likely benign. Last evaluated: 2018-08-12. Review status: criteria provided, single submitter. Criteria: GeneDx Variant Classification Process June 2021. Collection method: clinical testing. Allele origin: germline. Affected: yes.